The following is an entry in ClinVar:

NM_001126108.2(SLC12A3):c.1444-2A>G

Gene: SLC12A3 (solute carrier family 12 member 3; plus strand). Cytogenetic location: 16q13.
Variant type: single nucleotide variant.
Coding change: c.1444-2A>G on transcript NM_001126108.2 (MANE Select); the canonical splice acceptor site of the intron before coding-DNA position 1444, A replaced by G.
Molecular consequence: splice acceptor variant.
Genome position (GRCh38, 1-based): chr16:56,880,128, A>G. VCF-style: chr16-56880128-A-G. GRCh37 (hg19) VCF-style: chr16-56914040-A-G.
Other names: c.1444-2A>G (NM_000339.3); c.1441-2A>G (NM_001126107.2, NM_001410896.1).
Identifiers: ClinVar variation 1506537 (VCV001506537.8), dbSNP rs1460119539, ClinGen allele CA395987899.

ClinVar aggregate classification (germline): Likely pathogenic (1 of 4 stars; one submission).

Allele frequency attached by ClinVar (database versions not stated): TOPMed below 0.00001; gnomAD 0.00001.
gnomAD v4.1: 1 of 1,604,790 alleles (0.000062%); highest among the groups gnomAD compares: African/African-American, 0.0013%; no homozygotes.

Submission:

Labcorp Genetics (formerly Invitae), Labcorp
Classification: Likely pathogenic. Last evaluated: 2023-12-19. Review status: criteria provided, single submitter. Criteria: Invitae Variant Classification Sherloc (09022015). Collection method: clinical testing. Allele origin: germline.
Comment: This sequence change affects an acceptor splice site in intron 11 of the SLC12A3 gene. It is expected to disrupt RNA splicing. Variants that disrupt the donor or acceptor splice site typically lead to a loss of protein function (PMID: 16199547), and loss-of-function variants in SLC12A3 are known to be pathogenic (PMID: 20848653, 22009145, 25841442). This variant is not present in population databases (gnomAD no frequency). Disruption of this splice site has been observed in individual(s) with clinical features of SLC12A3-related conditions (PMID: 21415153). ClinVar contains an entry for this variant (Variation ID: 1506537). Algorithms developed to predict the effect of sequence changes on RNA splicing suggest that this variant may disrupt the consensus splice site. In summary, the currently available evidence indicates that the variant is pathogenic, but additional data are needed to prove that conclusively. Therefore, this variant has been classified as Likely Pathogenic.

Literature cited by the submitters: PubMed 16199547; PubMed 20848653; PubMed 22009145; PubMed 25841442; PubMed 21415153.